The following is an entry in ClinVar:

ClinVar aggregate classification (germline): Benign/Likely benign. Review status: criteria provided, multiple submitters, no conflicts (2 of 4 stars). 3 submissions from 3 submitters: Benign (1); Likely benign (1). 1 of the submissions does not count toward it. Last evaluated 2021-08-06.

Conditions:
Nasopharyngeal carcinoma, susceptibility to, 3 (NPCA3). Identifiers: Orphanet 150, MedGen C4310729, MONDO:0014902, OMIM 617075.
MST1R-related disorder. Also called: MST1R-related condition.

Allele frequency attached by ClinVar (database versions not stated): gnomAD exomes 0.00026; gnomAD 0.00252; TOPMed 0.00296; 1000 Genomes Project 30x 0.00375; ESP Exome Variant Server 0.00377; 1000 Genomes Project 0.00399.
gnomAD v4.1: 798 of 1,614,126 alleles (0.049%); highest among the groups gnomAD compares: African/African-American, 0.93%; 1 homozygote.

Submissions (3):

Fulgent Genetics
Classification: Likely benign for Nasopharyngeal carcinoma, susceptibility to, 3. Last evaluated: 2021-08-06. Review status: criteria provided, single submitter. Criteria: ACMG Guidelines, 2015. Collection method: clinical testing. Allele origin: unknown.

Labcorp Genetics (formerly Invitae), Labcorp
Classification: Benign. Last evaluated: 2019-12-31. Review status: criteria provided, single submitter. Criteria: Invitae Variant Classification Sherloc (09022015). Collection method: clinical testing. Allele origin: germline.

PreventionGenetics, part of Exact Sciences
Classification: Benign for MST1R-related condition. Last evaluated: 2019-09-10. Review status: no assertion criteria provided. Collection method: clinical testing. Allele origin: germline. Not counted in ClinVar's aggregate classification.
Comment: This variant is classified as benign based on ACMG/AMP sequence variant interpretation guidelines (Richards et al. 2015 PMID: 25741868, with internal and published modifications).

NM_002447.4(MST1R):c.1861A>T (p.Lys621Ter)

Gene: MST1R (macrophage stimulating 1 receptor; minus strand). Cytogenetic location: 3p21.31.
Variant type: single nucleotide variant.
Coding change: c.1861A>T on transcript NM_002447.4 (MANE Select); coding-DNA position 1861, A replaced by T.
Protein change: p.Lys621Ter; replaces lysine 621 with a stop codon.
Molecular consequence: nonsense. On other transcripts: non-coding transcript variant (1).
Genome position (GRCh38, 1-based): chr3:49,898,070, T>A on the plus strand (A>T on the coding strand, the complement: MST1R is on the minus strand). VCF-style: chr3-49898070-T-A. GRCh37 (hg19) VCF-style: chr3-49935503-T-A.
Other names: c.1861A>T, p.Lys621Ter (NM_001244937.3); c.1543A>T, p.Lys515Ter (NM_001318913.2); short protein forms K515*, K621*.
Identifiers: ClinVar variation 727441 (VCV000727441.7), dbSNP rs9819888, ClinGen allele CA2409106.
Genomic context (GRCh38, chr3:49,898,070, plus strand): 5'-TTCCCCCTTCAGGGAAAGGGAGGGGAGGGACCAGATTGTACCTGAGTTTTGAGCTGTCCT[T>A]GGGCAGTGGCCGGCAGGGACTTTGGCCCACAGTGACCTGATGGGTTCCCTCAGGCACCAG-3'